The following is an entry in ClinVar:

ClinVar aggregate classification (germline): Pathogenic/Likely pathogenic. Review status: criteria provided, multiple submitters, no conflicts (2 of 4 stars). 5 submissions from 5 submitters: Pathogenic (3); Likely pathogenic (1). 1 of the submissions does not count toward it. Last evaluated 2025-11-10.

Conditions:
Multiple endocrine neoplasia, type 1 (MEN1). Also called: MEA I; Endocrine adenomatosis multiple; MEN 1; MEN I; WERMER SYNDROME. Identifiers: Orphanet 652, MedGen C0025267, MeSH D018761, MONDO:0007540, OMIM 131100.

Submissions (5):

Labcorp Genetics (formerly Invitae), Labcorp
Classification: Pathogenic for Multiple endocrine neoplasia, type 1. Last evaluated: 2025-11-10. Review status: criteria provided, single submitter. Criteria: Invitae Variant Classification Sherloc (09022015). Collection method: clinical testing. Allele origin: germline.
Comment: This sequence change replaces leucine, which is neutral and non-polar, with arginine, which is basic and polar, at codon 22 of the MEN1 protein (p.Leu22Arg). This variant is not present in population databases (gnomAD no frequency). This missense change has been observed in individual(s) with clinical features of multiple endocrine neoplasia type 1 (PMID: 9103196, 9498491; internal data). It has also been observed to segregate with disease in related individuals. Invitae Evidence Modeling of clinical and family history, age, sex, and reported ancestry of multiple individuals with this MEN1 variant has been performed. This variant is expected to be pathogenic with a positive predictive value of at least 99%. This is a validated machine learning model that incorporates the clinical features of 1,366,787 individuals referred to our laboratory for MEN1 testing. ClinVar contains an entry for this variant (Variation ID: 16677). Invitae Evidence Modeling of protein sequence and biophysical properties (such as structural, functional, and spatial information, amino acid conservation, physicochemical variation, residue mobility, and thermodynamic stability) indicates that this missense variant is expected to disrupt MEN1 protein function with a positive predictive value of 95%. Experimental studies have shown that this missense change affects MEN1 function (PMID: 19074834, 19749796, 20404349, 21264250, 21819486, 22090276, 23580576). For these reasons, this variant has been classified as Pathogenic.

Molecular Pathology, Peter Maccallum Cancer Centre
Classification: Likely pathogenic for Multiple endocrine neoplasia, type 1. Last evaluated: 2025-04-03. Review status: criteria provided, single submitter. Criteria: ACMG Guidelines, 2015. Collection method: clinical testing. Allele origin: germline. Inheritance: Autosomal dominant inheritance.

GeneDx
Classification: Pathogenic. Last evaluated: 2021-03-19. Review status: criteria provided, single submitter. Criteria: GeneDx Variant Classification Process June 2021. Collection method: clinical testing. Allele origin: germline. Affected: yes.
Comment: Published functional studies demonstrate a damaging effect: reduced protein expression and stability, inability to repress JunD-mediated transcription or Gas1 expression in Hedgehog signaling (Agarwal et al., 1999; Canaff et al., 2012; Gurung et al., 2013); Not observed in large population cohorts (Lek et al., 2016); In silico analysis supports that this missense variant has a deleterious effect on protein structure/function; This variant is associated with the following publications: (PMID: 21264250, 19074834, 22090276, 9989505, 23580576, 9498491, 16195383, 14992727, 17879353, 15281352, 9681840, 9215689, 10730900, 21916912, 21819486, 19596783, 17766243, 20404349, 20639902, 12509449, 22878668, 15640349, 18598942, 21252315, 12112656, 17953629, 9103196, 30869828)

Clinical Genetics and Genomics, Karolinska University Hospital
Classification: Pathogenic. Last evaluated: 2017-07-06. Review status: criteria provided, single submitter. Criteria: ACMG Guidelines, 2015. Collection method: clinical testing. Allele origin: germline. Affected: yes. Observed: 1 variant allele.

OMIM
Classification: Pathogenic for MULTIPLE ENDOCRINE NEOPLASIA, TYPE I. Last evaluated: 1997-04-18. Review status: no assertion criteria provided. Collection method: literature only. Allele origin: germline. Not counted in ClinVar's aggregate classification.

Literature cited by the submitters: PubMed 9103196 (cited by Labcorp Genetics (formerly Invitae), Labcorp and OMIM); PubMed 9498491 (cited by Labcorp Genetics (formerly Invitae), Labcorp); PubMed 19074834 (cited by Labcorp Genetics (formerly Invitae), Labcorp); PubMed 19749796 (cited by Labcorp Genetics (formerly Invitae), Labcorp); PubMed 20404349 (cited by Labcorp Genetics (formerly Invitae), Labcorp); PubMed 21264250 (cited by Labcorp Genetics (formerly Invitae), Labcorp); PubMed 21819486 (cited by Labcorp Genetics (formerly Invitae), Labcorp); PubMed 22090276 (cited by Labcorp Genetics (formerly Invitae), Labcorp); PubMed 23580576 (cited by Labcorp Genetics (formerly Invitae), Labcorp).

NM_001370259.2(MEN1):c.65T>G (p.Leu22Arg)

Gene: MEN1 (menin 1; minus strand). Cytogenetic location: 11q13.1.
Variant type: single nucleotide variant.
Coding change: c.65T>G on transcript NM_001370259.2 (MANE Select); coding-DNA position 65, T replaced by G.
Protein change: p.Leu22Arg; replaces leucine 22 with arginine.
Molecular consequence: missense variant.
Genome position (GRCh38, 1-based): chr11:64,810,045, A>C on the plus strand (T>G on the coding strand, the complement: MEN1 is on the minus strand). VCF-style: chr11-64810045-A-C. GRCh37 (hg19) VCF-style: chr11-64577517-A-C.
Other names: p.L22R:CTG>CGG; c.65T>G, p.Leu22Arg (NM_001370263.2, NM_130799.3, NM_130800.3 and 9 more transcripts); short protein forms L22R.
Identifiers: ClinVar variation 16677 (VCV000016677.14), dbSNP rs104894256, ClinGen allele CA009546.